The following is an entry in ClinVar:

ClinVar aggregate classification (germline): Benign (1 of 4 stars; one submission).

Conditions:
Glycogen storage disease IXd (GSD9D). Also called: GSD IXd; Muscle Phosphorylase Kinase Deficiency. Identifiers: Orphanet 715, MedGen C1845151, MONDO:0010362, OMIM 300559.

Allele frequency attached by ClinVar (database versions not stated): gnomAD exomes 0.00026; gnomAD 0.00174 and 0.00179; TOPMed 0.00176; 1000 Genomes Project 30x 0.00208; 1000 Genomes Project 0.00212.
gnomAD v4.1: 196 of 124,166 alleles (0.16%); highest among the groups gnomAD compares: African/African-American, 0.6%; no homozygotes.

Submission:

Illumina Laboratory Services, Illumina
Classification: Benign for Glycogen storage disease IXd. Last evaluated: 2018-01-12. Review status: criteria provided, single submitter. Criteria: ICSL Variant Classification Criteria 13 December 2019. Collection method: clinical testing. Allele origin: germline.
Comment: This variant was observed in the ICSL laboratory as part of a predisposition screen in an ostensibly healthy population. It had not been previously curated by ICSL or reported in the Human Gene Mutation Database (HGMD: prior to June 1st, 2018), and was therefore a candidate for classification through an automated scoring system. Utilizing variant allele frequency, disease prevalence and penetrance estimates, and inheritance mode, an automated score was calculated to assess if this variant is too frequent to cause the disease. Based on the score and internal cut-off values, a variant classified as benign is not then subjected to further curation. The score for this variant resulted in a classification of benign for this disease.

NM_002637.4(PHKA1):c.*500C>A

Gene: PHKA1 (phosphorylase kinase regulatory subunit alpha 1; minus strand). Cytogenetic location: Xq13.1.
Variant type: single nucleotide variant.
Coding change: c.*500C>A on transcript NM_002637.4 (MANE Select); 500 bases downstream of the stop codon, C replaced by A.
Molecular consequence: 3 prime UTR variant.
Genome position (GRCh38, 1-based): chrX:72,580,502, G>T on the plus strand (C>A on the coding strand, the complement: PHKA1 is on the minus strand). VCF-style: chrX-72580502-G-T. GRCh37 (hg19) VCF-style: chrX-71800352-G-T.
Other names: c.*500C>A (NM_001122670.2, NM_001172436.2).
Identifiers: ClinVar variation 913636 (VCV000913636.4), dbSNP rs148465718, ClinGen allele CA331064228.
Genomic context (GRCh38, chrX:72,580,502, plus strand): 5'-CCTGTAAGTAAGGAAGAAAACCATGATCCAGTACTCTCTTTTCCTAAGAAAAGGCACGTA[G>T]AATAGGTAATTCTAATTTATAGCAGCATAAATATTTAACAATTTAGAGTTTACTCATTTG-3'